The following is an entry in ClinVar:

ClinVar aggregate classification (germline): Likely benign. Review status: criteria provided, multiple submitters, no conflicts (2 of 4 stars). 6 submissions from 6 submitters: Likely benign (6). Last evaluated 2025-02-12.

Conditions:
Hypertrophic cardiomyopathy. Also called: HYPERTROPHIC MYOCARDIOPATHY. Identifiers: Orphanet 217569, MedGen C0007194, MeSH D002312, MONDO:0005045, HP:0001639.
Cardiomyopathy (CMYO). Also called: Cardiomyopathies. Identifiers: Orphanet 167848, MedGen C0878544, MONDO:0004994, HP:0001638. Inheritance: Various modes of inheritance.

Allele frequency attached by ClinVar (database versions not stated): gnomAD exomes 0.00003; TOPMed 0.00003; gnomAD 0.00004; ExAC 0.00006.
gnomAD v4.1: 66 of 1,476,020 alleles (0.0045%); highest among the groups gnomAD compares: Non-Finnish European, 0.0058%; no homozygotes.

Submissions (6):

Labcorp Genetics (formerly Invitae), Labcorp
Classification: Likely benign for Hypertrophic cardiomyopathy. Last evaluated: 2025-02-12. Review status: criteria provided, single submitter. Criteria: Invitae Variant Classification Sherloc (09022015). Collection method: clinical testing. Allele origin: germline.

Blueprint Genetics
Classification: Likely benign. Last evaluated: 2023-12-27. Review status: criteria provided, single submitter. Criteria: ACMG Guidelines, 2015. Collection method: clinical testing. Allele origin: germline.

All of Us Research Program, National Institutes of Health
Classification: Likely benign for Hypertrophic cardiomyopathy. Last evaluated: 2023-06-26. Review status: criteria provided, single submitter. Criteria: ACMG Guidelines, 2015. Collection method: clinical testing. Allele origin: germline. Inheritance: Autosomal dominant inheritance. Observed: 2 variant alleles, 2 heterozygotes.
Comment: This study involves interpretation of variants in research participants for the purpose of population health screening. Participant phenotype was not available at the time of variant classification. Additional details can be found in publication PMID: 35346344, PMCID: PMC8962531

GeneDx
Classification: Likely benign. Last evaluated: 2019-04-03. Review status: criteria provided, single submitter. Criteria: GeneDx Variant Classification Process June 2021. Collection method: clinical testing. Allele origin: germline. Affected: yes.

Color Diagnostics, LLC DBA Color Health
Classification: Likely benign for Cardiomyopathy. Last evaluated: 2019-03-08. Review status: criteria provided, single submitter. Criteria: ACMG Guidelines, 2015. Collection method: clinical testing. Allele origin: germline.

Laboratory for Molecular Medicine, Mass General Brigham Personalized Medicine
Classification: Likely benign. Last evaluated: 2014-11-18. Review status: criteria provided, single submitter. Criteria: LMM Criteria. Collection method: clinical testing. Allele origin: germline. Observed: 1 variant allele.
Comment: c.2603-11C>T in intron 25 of MYBPC3: This variant is not expected to have clinic al significance because a C>T change at this position does not diverge from the splice consensus sequence and is therefore unlikely to impact splicing.

NM_000256.3(MYBPC3):c.2603-11C>T

Gene: MYBPC3 (myosin binding protein C3; minus strand). Cytogenetic location: 11p11.2.
Variant type: single nucleotide variant.
Coding change: c.2603-11C>T on transcript NM_000256.3 (MANE Select); 11 bases into the intron before coding-DNA position 2603, C replaced by T.
Molecular consequence: intron variant.
Genome position (GRCh38, 1-based): chr11:47,336,022, G>A on the plus strand (C>T on the coding strand, the complement: MYBPC3 is on the minus strand). VCF-style: chr11-47336022-G-A. GRCh37 (hg19) VCF-style: chr11-47357573-G-A.
Identifiers: ClinVar variation 178064 (VCV000178064.13), dbSNP rs11570105, ClinGen allele CA012681.
Genomic context (GRCh38, chr11:47,336,022, plus strand): 5'-GGTGTCAGAGACGTCCTCTACTGCCAGGTGGGTGGGTTCGCTGGGGGGACCTGGGCAGAG[G>A]AGAGGTCAGAGAGGGGTCTGAGCAAGCCTGGGGAAGCTGGAGATCCATGCCCTAGACTCT-3'